The following is an entry in ClinVar:

ClinVar aggregate classification (germline): Likely benign. Review status: criteria provided, single submitter (1 of 4 stars). 2 submissions from 2 submitters: Likely benign (1). 1 of the submissions does not count toward it. Last evaluated 2026-02-03.

Conditions:
PDGFRA-related disorder. Also called: PDGFRA-related condition.
Gastrointestinal stromal tumor. Also called: Gastrointestinal stroma tumor; Gastrointestinal stromal tumor, somatic. Identifiers: Orphanet 44890, MedGen C0238198, MeSH D046152, MONDO:0011719, OMIM 606764, HP:0100723.

Allele frequency attached by ClinVar (database versions not stated): gnomAD exomes 0.00001 and 0.00005; ExAC 0.00004; 1000 Genomes Project 0.00020; gnomAD 0.00023 and 0.00026; TOPMed 0.00023; 1000 Genomes Project 30x 0.00031; ESP Exome Variant Server 0.00038.
gnomAD v4.1: 55 of 1,612,918 alleles (0.0034%); highest among the groups gnomAD compares: African/African-American, 0.063%; no homozygotes.

Submissions (2):

Labcorp Genetics (formerly Invitae), Labcorp
Classification: Likely benign for Gastrointestinal stromal tumor. Last evaluated: 2026-02-03. Review status: criteria provided, single submitter. Criteria: Invitae Variant Classification Sherloc (09022015). Collection method: clinical testing. Allele origin: germline.

PreventionGenetics, part of Exact Sciences
Classification: Likely benign for PDGFRA-related condition. Last evaluated: 2024-07-30. Review status: no assertion criteria provided. Collection method: clinical testing. Allele origin: germline. Not counted in ClinVar's aggregate classification.
Comment: This variant is classified as likely benign based on ACMG/AMP sequence variant interpretation guidelines (Richards et al. 2015 PMID: 25741868, with internal and published modifications).

NM_006206.6(PDGFRA):c.1365-10T>G

Gene: PDGFRA (platelet derived growth factor receptor alpha; plus strand). Cytogenetic location: 4q12.
Variant type: single nucleotide variant.
Coding change: c.1365-10T>G on transcript NM_006206.6 (MANE Select); 10 bases into the intron before coding-DNA position 1365, T replaced by G.
Molecular consequence: intron variant.
Genome position (GRCh38, 1-based): chr4:54,273,527, T>G. VCF-style: chr4-54273527-T-G. GRCh37 (hg19) VCF-style: chr4-55139694-T-G.
Other names: c.1365-10T>G (NM_006206.5, NM_001347827.2, NM_001347829.2); c.1440-10T>G (NM_001347828.2); c.1404-10T>G (NM_001347830.2).
Identifiers: ClinVar variation 458996 (VCV000458996.14), dbSNP rs371291000, ClinGen allele CA2922549.
Genomic context (GRCh38, chr4:54,273,527, plus strand): 5'-TTCCCGTGGCTCCACTCATTGCCATGACTCTCAGGAATTGGCCCTATACTTAGGCCCTTT[T>G]TCTCTCTAGATGTAATAATGAAACTTCCTGGACTATTTTGGCCAACAATGTCTCAAACAT-3'